The following is an entry in ClinVar:

NM_001128225.3(SLC39A13):c.1040+5G>A

Gene: SLC39A13 (solute carrier family 39 member 13; plus strand). Cytogenetic location: 11p11.2.
Variant type: single nucleotide variant.
Coding change: c.1040+5G>A on transcript NM_001128225.3 (MANE Select); 5 bases into the intron after coding-DNA position 1040, G replaced by A.
Molecular consequence: intron variant.
Genome position (GRCh38, 1-based): chr11:47,415,164, G>A. VCF-style: chr11-47415164-G-A. GRCh37 (hg19) VCF-style: chr11-47436715-G-A.
Other names: c.1019+5G>A (NM_152264.5); c.*37+5G>A (NM_001330245.2).
Identifiers: ClinVar variation 3380020 (VCV003380020.2).

ClinVar aggregate classification (germline): Uncertain significance. Review status: criteria provided, multiple submitters, no conflicts (2 of 4 stars). 2 submissions from 2 submitters: Uncertain significance (2). Last evaluated 2024-03-27.

Submissions (2):

Mayo Clinic Laboratories, Mayo Clinic
Classification: Uncertain significance. Last evaluated: 2024-03-27. Review status: criteria provided, single submitter. Criteria: ACMG Guidelines, 2015. Collection method: clinical testing. Allele origin: germline. Observed: 1 variant allele.
Comment: PP3, PM2

Blueprint Genetics
Classification: Uncertain significance. Last evaluated: 2021-05-18. Review status: criteria provided, single submitter. Criteria: ACMG Guidelines, 2015. Collection method: clinical testing. Allele origin: germline.